The following is an entry in ClinVar:

ClinVar aggregate classification (germline): Uncertain significance (1 of 4 stars; one submission).

Submission:

Labcorp Genetics (formerly Invitae), Labcorp
Classification: Uncertain significance. Last evaluated: 2024-01-12. Review status: criteria provided, single submitter. Criteria: Invitae Variant Classification Sherloc (09022015). Collection method: clinical testing. Allele origin: unknown.
Comment: A copy number gain of the genomic region encompassing the full coding sequence of the DHX37 gene has been identified. The boundaries of this event are unknown as they extend beyond the assayed region for this gene and therefore may encompass additional genes. As the precise location of this event is unknown, it may be in tandem or it may be located elsewhere in the genome. This variant has not been reported in the literature in individuals affected with DHX37-related conditions. Experimental studies and prediction algorithms are not available or were not evaluated, and the functional significance of this variant is currently unknown. In summary, the available evidence is currently insufficient to determine the role of this variant in disease. Therefore, it has been classified as a Variant of Uncertain Significance.

NC_000012.11:g.(?_125263013)_(125473568_?)dup

Genes: DHX37 (DEAH-box helicase 37; minus strand), SCARB1 (scavenger receptor class B member 1; minus strand), UBC (ubiquitin C; minus strand). Cytogenetic location: 12q24.31.
Variant type: Duplication.
Identifiers: ClinVar variation 3244437 (VCV003244437.1).